The following is an entry in ClinVar:

ClinVar aggregate classification (germline): Benign (1 of 4 stars; one submission).

Allele frequency attached by ClinVar (database versions not stated): 1000 Genomes Project 0.00220; ESP Exome Variant Server 0.00416; 1000 Genomes Project 30x 0.00203.
gnomAD v4.1: 9,707 of 1,604,582 alleles (0.6%); highest among the groups gnomAD compares: Non-Finnish European, 0.77%; 34 homozygotes.

Submission:

CeGaT Center for Human Genetics Tuebingen
Classification: Benign. Last evaluated: 2022-09-01. Review status: criteria provided, single submitter. Criteria: CeGaT Center For Human Genetics Tuebingen Variant Classification Criteria Version 2. Collection method: clinical testing. Allele origin: germline. Affected: yes. Observed: 1 variant allele.
Comment: ADGRF3: BS1, BS2

NM_001321971.2(ADGRF3):c.2305C>T (p.Arg769Ter)

Gene: ADGRF3 (adhesion G protein-coupled receptor F3; minus strand). Cytogenetic location: 2p23.3.
Variant type: single nucleotide variant.
Coding change: c.2305C>T on transcript NM_001321971.2 (MANE Select); coding-DNA position 2305, C replaced by T.
Protein change: p.Arg769Ter; replaces arginine 769 with a stop codon.
Molecular consequence: nonsense. On other transcripts: non-coding transcript variant (3).
Genome position (GRCh38, 1-based): chr2:26,311,219, G>A on the plus strand (C>T on the coding strand, the complement: ADGRF3 is on the minus strand). VCF-style: chr2-26311219-G-A. GRCh37 (hg19) VCF-style: chr2-26534087-G-A.
Other names: c.2509C>T, p.Arg837Ter (NM_001145168.1); c.2302C>T, p.Arg768Ter (NM_001145169.1); c.1318C>T, p.Arg440Ter (NM_001321975.2, NM_001393343.1); c.1912C>T, p.Arg638Ter (NM_153835.4); short protein forms R440*, R638*, R768*, R769*, R837*.
Identifiers: ClinVar variation 2650743 (VCV002650743.24), dbSNP rs139522210, ClinGen allele CA1560802.
Genomic context (GRCh38, chr2:26,311,219, plus strand): 5'-AAAAGGTGGCCAGGTAGAGGAAATGACAGAGGAAGGCGGCAGCAAGGCAGAGCGGGCTTC[G>A]GGGCCCTGGAGAGAGGAATGGGGCGCCCAGGAAGCAAGTGTCTGCGGCCAGCAAGCAGAA-3'